The following is an entry in ClinVar:

NM_198253.3(TERT):c.2489G>A (p.Gly830Glu)

Gene: TERT (telomerase reverse transcriptase; minus strand). Cytogenetic location: 5p15.33.
Variant type: single nucleotide variant.
Coding change: c.2489G>A on transcript NM_198253.3 (MANE Select); coding-DNA position 2489, G replaced by A.
Protein change: p.Gly830Glu; replaces glycine 830 with glutamic acid.
Molecular consequence: missense variant. On other transcripts: non-coding transcript variant (2).
Genome position (GRCh38, 1-based): chr5:1,268,613, C>T on the plus strand (G>A on the coding strand, the complement: TERT is on the minus strand). VCF-style: chr5-1268613-C-T. GRCh37 (hg19) VCF-style: chr5-1268728-C-T.
Other names: c.2489G>A, p.Gly830Glu (NM_001193376.3); short protein forms G830E.
Identifiers: ClinVar variation 4074361 (VCV004074361.1).

ClinVar aggregate classification (germline): Uncertain significance (1 of 4 stars; one submission).

Submission:

GeneDx
Classification: Uncertain significance. Last evaluated: 2025-02-05. Review status: criteria provided, single submitter. Criteria: GeneDx Variant Classification Process June 2021. Collection method: clinical testing. Allele origin: germline. Affected: yes.
Comment: Not observed at significant frequency in large population cohorts (gnomAD); In silico analysis supports that this missense variant has a deleterious effect on protein structure/function; Has not been previously published as pathogenic or benign to our knowledge